The following is an entry in ClinVar:

ClinVar aggregate classification (germline): Pathogenic (1 of 4 stars; one submission).

Conditions:
Developmental and epileptic encephalopathy. Identifiers: MedGen C5779964, MONDO:0100620.

Submission:

Labcorp Genetics (formerly Invitae), Labcorp
Classification: Pathogenic for Early-infantile DEE. Last evaluated: 2020-01-20. Review status: criteria provided, single submitter. Criteria: Invitae Variant Classification Sherloc (09022015). Collection method: clinical testing. Allele origin: germline.
Comment: This sequence change creates a premature translational stop signal (p.Thr199Asnfs*17) in the SCN1A gene. It is expected to result in an absent or disrupted protein product. This variant is not present in population databases (ExAC no frequency). This variant has not been reported in the literature in individuals with SCN1A-related conditions. Loss-of-function variants in SCN1A are known to be pathogenic (PMID: 17347258, 18930999). For these reasons, this variant has been classified as Pathogenic.

Literature cited by the submitters: PubMed 17347258; PubMed 18930999.

NM_001165963.4(SCN1A):c.596del (p.Thr199fs)

Gene: SCN1A (sodium voltage-gated channel alpha subunit 1; minus strand). Cytogenetic location: 2q24.3.
Variant type: Deletion.
Coding change: c.596del on transcript NM_001165963.4 (MANE Select); coding-DNA position 596, one base deleted (C; older notation c.596delC).
Protein change: p.Thr199fs; shifts the reading frame from threonine 199.
Molecular consequence: frameshift variant. On other transcripts: 5 prime UTR variant (1), non-coding transcript variant (1).
Genome position (GRCh38, 1-based): chr2:166,054,644, G deleted on the plus strand (C on the coding strand, the reverse complement: SCN1A is on the minus strand). VCF-style (leftmost placement, unchanged base first): chr2-166054643-TG-T. GRCh37 (hg19) VCF-style: chr2-166911153-TG-T.
Other names: c.596del, p.Thr199fs (NM_001165964.3, NM_001202435.3, NM_001353948.2 and 10 more transcripts); c.-1830del (NM_001353961.2); short protein forms T199fs.
Identifiers: ClinVar variation 1074022 (VCV001074022.3), dbSNP rs2105901754, ClinGen allele CA2499215207.